The following is an entry in ClinVar:

NM_000501.4(ELN):c.1321G>A (p.Ala441Thr)

Gene: ELN (elastin; plus strand). Cytogenetic location: 7q11.23.
Variant type: single nucleotide variant.
Coding change: c.1321G>A on transcript NM_000501.4 (MANE Select); coding-DNA position 1321, G replaced by A.
Protein change: p.Ala441Thr; replaces alanine 441 with threonine.
Molecular consequence: missense variant.
Genome position (GRCh38, 1-based): chr7:74,056,677, G>A. VCF-style: chr7-74056677-G-A. GRCh37 (hg19) VCF-style: chr7-73471007-G-A.
Other names: c.1291G>A, p.Ala431Thr (NM_001081752.3, NM_001278917.2); c.1336G>A, p.Ala446Thr (NM_001081753.3, NM_001081754.3); c.1321G>A, p.Ala441Thr (NM_001081755.3, NM_001278912.2, NM_001278915.2 and 1 more transcripts); c.1135G>A, p.Ala379Thr (NM_001278913.2); c.1306G>A, p.Ala436Thr (NM_001278914.2); c.1279G>A, p.Ala427Thr (NM_001278916.2); c.1111G>A, p.Ala371Thr (NM_001278918.2); short protein forms A441T, A427T, A431T, A436T, A446T, A371T, A379T.
Identifiers: ClinVar variation 2271844 (VCV002271844.5), dbSNP rs369925752, ClinGen allele CA4292946.

ClinVar aggregate classification (germline): Uncertain significance. Review status: criteria provided, multiple submitters, no conflicts (2 of 4 stars). 2 submissions from 2 submitters: Uncertain significance (2). Last evaluated 2023-06-06.

Conditions:
Inborn genetic diseases. Identifiers: MedGen C0950123, MeSH D030342.
Supravalvar aortic stenosis (SVAS). Also called: Supravalvar aortic stenosis, Eisenberg type. Identifiers: Orphanet 3193, MedGen C0003499, MONDO:0008504, OMIM 185500, HP:0004381.

Allele frequency attached by ClinVar (database versions not stated): ExAC 0.00001; gnomAD 0.00001; TOPMed 0.00001; ESP Exome Variant Server 0.00008.
gnomAD v4.1: 2 of 1,613,716 alleles (0.00012%); highest among the groups gnomAD compares: Non-Finnish European, 0.00017%; no homozygotes.

Submissions (2):

Labcorp Genetics (formerly Invitae), Labcorp
Classification: Uncertain significance for Supravalvar aortic stenosis. Last evaluated: 2023-06-06. Review status: criteria provided, single submitter. Criteria: Invitae Variant Classification Sherloc (09022015). Collection method: clinical testing. Allele origin: germline.
Comment: In summary, the available evidence is currently insufficient to determine the role of this variant in disease. Therefore, it has been classified as a Variant of Uncertain Significance. Advanced modeling of protein sequence and biophysical properties (such as structural, functional, and spatial information, amino acid conservation, physicochemical variation, residue mobility, and thermodynamic stability) performed at Invitae indicates that this missense variant is not expected to disrupt ELN protein function. ClinVar contains an entry for this variant (Variation ID: 2271844). This variant has not been reported in the literature in individuals affected with ELN-related conditions. The frequency data for this variant in the population databases is considered unreliable, as metrics indicate poor data quality at this position in the gnomAD database. This sequence change replaces alanine, which is neutral and non-polar, with threonine, which is neutral and polar, at codon 441 of the ELN protein (p.Ala441Thr).

Ambry Genetics
Classification: Uncertain significance for Inborn genetic diseases. Last evaluated: 2022-01-18. Review status: criteria provided, single submitter. Criteria: Ambry Variant Classification Scheme 2023. Collection method: clinical testing. Allele origin: germline.